The following is an entry in ClinVar:

NM_001909.5(CTSD):c.796C>T (p.Arg266Cys)

Gene: CTSD (cathepsin D; minus strand). Cytogenetic location: 11p15.5.
Variant type: single nucleotide variant.
Coding change: c.796C>T on transcript NM_001909.5 (MANE Select); coding-DNA position 796, C replaced by T.
Protein change: p.Arg266Cys; replaces arginine 266 with cysteine.
Molecular consequence: missense variant.
Genome position (GRCh38, 1-based): chr11:1,754,937, G>A on the plus strand (C>T on the coding strand, the complement: CTSD is on the minus strand). VCF-style: chr11-1754937-G-A. GRCh37 (hg19) VCF-style: chr11-1776167-G-A.
Other names: p.R266C:CGC>TGC; short protein forms R266C.
Identifiers: ClinVar variation 205359 (VCV000205359.7), dbSNP rs373621431, ClinGen allele CA314360.

ClinVar aggregate classification (germline): Uncertain significance. Review status: criteria provided, multiple submitters, no conflicts (2 of 4 stars). 3 submissions from 3 submitters: Uncertain significance (3). Last evaluated 2026-08-06.

Conditions:
Neuronal ceroid lipofuscinosis. Also called: Neuronal Ceroid Lipofuscinoses. Identifiers: Orphanet 216, Orphanet 79263, MedGen C0027877, MONDO:0016295. Disease mechanism: loss of function.

Allele frequency attached by ClinVar (database versions not stated): ExAC 0.00001; gnomAD 0.00001 and 0.00002; gnomAD exomes 0.00003; TOPMed 0.00003; ESP Exome Variant Server 0.00008.

Submissions (3):

OLLIN Analises Genomicas, OLLIN
Classification: Uncertain significance. Last evaluated: 2026-08-06. Review status: criteria provided, single submitter. Criteria: ACMG Guidelines 2015 PMID 25741868. Collection method: clinical testing. Allele origin: germline.
Comment: This missense variant, located in exon 6 (of 9), has been reported in ClinVar (accession VCV000205359.6) and in gnomAD with an allele frequency of 0.00304%. However, to our knowledge, it has not been reported in the scientific literature. In silico analysis is inconclusive regarding the impact of this variant. According to the currently available evidence, this variant has been classified as uncertain significance (PM2_P).

Labcorp Genetics (formerly Invitae), Labcorp
Classification: Uncertain significance for Neuronal ceroid lipofuscinosis. Last evaluated: 2022-10-13. Review status: criteria provided, single submitter. Criteria: Invitae Variant Classification Sherloc (09022015). Collection method: clinical testing. Allele origin: germline.
Comment: This sequence change replaces arginine, which is basic and polar, with cysteine, which is neutral and slightly polar, at codon 266 of the CTSD protein (p.Arg266Cys). This variant is present in population databases (rs373621431, gnomAD 0.006%). This variant has not been reported in the literature in individuals affected with CTSD-related conditions. ClinVar contains an entry for this variant (Variation ID: 205359). Advanced modeling of protein sequence and biophysical properties (such as structural, functional, and spatial information, amino acid conservation, physicochemical variation, residue mobility, and thermodynamic stability) performed at Invitae indicates that this missense variant is expected to disrupt CTSD protein function. In summary, the available evidence is currently insufficient to determine the role of this variant in disease. Therefore, it has been classified as a Variant of Uncertain Significance.

GeneDx
Classification: Uncertain significance. Last evaluated: 2014-01-29. Review status: criteria provided, single submitter. Criteria: GeneDx Variant Classification (06012015). Collection method: clinical testing. Allele origin: germline. Affected: yes.
Comment: p.Arg266Cys (CGC>TGC): c.796 C>T in exon 6 of the CTSD gene (NM_001909.4). The Arg266Cys missense change has not been published as a mutation, nor has it been reported as a benign polymorphism to our knowledge. This variant is a non-conservative amino acid substitution of a positively charged Arginine residue with a uncharged Cysteine and the gain of a Cystine may affect the formation of disulfide bonds in the CTSD protein. The Arg266Cys variant alters a position that is well conserved across species in the Cathepsin D heavy chain of the CTSD protein. Additionally, in silico analysis predicts this variant is probably damaging to the protein structure/function. However, there have been no reported mutations in this region of the CTSD protein. Therefore, based on the currently available information, it is unclear whether Arg266Cys is a disease-causing mutation or a rare benign variant.The variant is found in EPILEPSY panel(s).